The following is an entry in ClinVar:

NM_006231.4(POLE):c.4678G>C (p.Asp1560His)

Gene: POLE (DNA polymerase epsilon, catalytic subunit; minus strand). Cytogenetic location: 12q24.33.
Variant type: single nucleotide variant.
Coding change: c.4678G>C on transcript NM_006231.4 (MANE Select); coding-DNA position 4678, G replaced by C.
Protein change: p.Asp1560His; replaces aspartic acid 1560 with histidine.
Molecular consequence: missense variant.
Genome position (GRCh38, 1-based): chr12:132,642,870, C>G on the plus strand (G>C on the coding strand, the complement: POLE is on the minus strand). VCF-style: chr12-132642870-C-G. GRCh37 (hg19) VCF-style: chr12-133219456-C-G.
Other names: short protein forms D1560H.
Identifiers: ClinVar variation 1742366 (VCV001742366.3), dbSNP rs2138539844, ClinGen allele CA387378843.
Genomic context (GRCh38, chr12:132,642,870, plus strand): 5'-CCACTCTCACCTTGTAGGCGAGCAGGAATCGCTGGATGGCTCTGCAGATGGTCTTCAGGT[C>G]AGTTTCTGCCCGAACTTCGAAGGTGTGTTTGGGGGGTGGCAGGAGCTCAGGGCCCACCTT-3'
Protein context (NP_006222.2, residues 1550-1570): KHTFEVRAET[Asp1560His]LKTICRAIQR

ClinVar aggregate classification (germline): Uncertain significance (1 of 4 stars; one submission).

Conditions:
Hereditary cancer-predisposing syndrome. Also called: Hereditary Cancer Syndrome; Hereditary neoplastic syndrome; Neoplastic Syndromes, Hereditary; Tumor predisposition. Identifiers: Orphanet 140162, MedGen C0027672, MeSH D009386, MONDO:0015356.

Submission:

Ambry Genetics
Classification: Uncertain significance for Hereditary cancer-predisposing syndrome. Last evaluated: 2025-05-21. Review status: criteria provided, single submitter. Criteria: Ambry Variant Classification Scheme 2023. Collection method: clinical testing. Allele origin: germline.
Comment: The p.D1560H variant (also known as c.4678G>C), located in coding exon 36 of the POLE gene, results from a G to C substitution at nucleotide position 4678. The aspartic acid at codon 1560 is replaced by histidine, an amino acid with similar properties. This amino acid position is conserved. In addition, the in silico prediction for this alteration is inconclusive. Since supporting evidence is limited at this time, the clinical significance of this alteration remains unclear.